The following is an entry in ClinVar:

NM_004519.4(KCNQ3):c.431C>T (p.Thr144Ile)

Gene: KCNQ3 (potassium voltage-gated channel subfamily Q member 3; minus strand). Cytogenetic location: 8q24.22.
Variant type: single nucleotide variant.
Coding change: c.431C>T on transcript NM_004519.4 (MANE Select); coding-DNA position 431, C replaced by T.
Protein change: p.Thr144Ile; replaces threonine 144 with isoleucine.
Molecular consequence: missense variant.
Genome position (GRCh38, 1-based): chr8:132,186,137, G>A on the plus strand (C>T on the coding strand, the complement: KCNQ3 is on the minus strand). VCF-style: chr8-132186137-G-A. GRCh37 (hg19) VCF-style: chr8-133198384-G-A.
Other names: c.71C>T, p.Thr24Ile (NM_001204824.2); short protein forms T144I, T24I.
Identifiers: ClinVar variation 4282394 (VCV004282394.1).

ClinVar aggregate classification (germline): Uncertain significance (1 of 4 stars; one submission).

gnomAD v4.1: 2 of 1,613,952 alleles (0.00012%); highest among the groups gnomAD compares: Non-Finnish European, 0.000085%; no homozygotes.

Submission:

GeneDx
Classification: Uncertain significance. Last evaluated: 2025-04-07. Review status: criteria provided, single submitter. Criteria: GeneDx Variant Classification Process June 2021. Collection method: clinical testing. Allele origin: germline. Affected: yes.
Comment: Not observed at significant frequency in large population cohorts (gnomAD); In silico analysis supports that this missense variant has a deleterious effect on protein structure/function; Has not been previously published as pathogenic or benign to our knowledge